The following is an entry in ClinVar:

NM_006231.4(POLE):c.5908T>C (p.Ser1970Pro)

Gene: POLE (DNA polymerase epsilon, catalytic subunit; minus strand). Cytogenetic location: 12q24.33.
Variant type: single nucleotide variant.
Coding change: c.5908T>C on transcript NM_006231.4 (MANE Select); coding-DNA position 5908, T replaced by C.
Protein change: p.Ser1970Pro; replaces serine 1970 with proline.
Molecular consequence: missense variant.
Genome position (GRCh38, 1-based): chr12:132,634,282, A>G on the plus strand (T>C on the coding strand, the complement: POLE is on the minus strand). VCF-style: chr12-132634282-A-G. GRCh37 (hg19) VCF-style: chr12-133210868-A-G.
Other names: c.5908T>C (NM_006231.2); short protein forms S1970P.
Identifiers: ClinVar variation 1036273 (VCV001036273.10), dbSNP rs1258796672, ClinGen allele CA387371617.

ClinVar aggregate classification (germline): Conflicting classifications of pathogenicity. Review status: criteria provided, conflicting classifications (1 of 4 stars). 3 submissions from 3 submitters: Uncertain significance (2); Likely benign (1). Last evaluated 2024-10-21.

Conditions:
Colorectal cancer, susceptibility to, 12 (CRCS12). Also called: COLORECTAL CANCER, SUSCEPTIBILITY TO, ON CHROMOSOME 12q24. Identifiers: Orphanet 220460, MedGen C3554460, MONDO:0014038, OMIM 615083.
Facial dysmorphism-immunodeficiency-livedo-short stature syndrome. Also called: Facial dysmorphism, immunodeficiency, livedo, and short stature; FILS syndrome. Identifiers: Orphanet 352712, MedGen C3554576, MONDO:0014058, OMIM 615139.
Intrauterine growth retardation, metaphyseal dysplasia, adrenal hypoplasia congenita, genital anomalies, and immunodeficiency. Also called: IMAGEI SYNDROME. Identifiers: MedGen C5193036, MONDO:0032684, OMIM 618336.
Hereditary cancer-predisposing syndrome. Also called: Neoplastic Syndromes, Hereditary; Hereditary Cancer Syndrome; Tumor predisposition; Hereditary neoplastic syndrome. Identifiers: Orphanet 140162, MedGen C0027672, MeSH D009386, MONDO:0015356.

Allele frequency attached by ClinVar (database versions not stated): gnomAD exomes below 0.00001.
gnomAD v4.1: 1 of 1,614,120 alleles (0.000062%); highest among the groups gnomAD compares: Admixed American, 0.0017%; no homozygotes.

Submissions (3):

Ambry Genetics
Classification: Likely benign for Hereditary cancer-predisposing syndrome. Last evaluated: 2024-10-21. Review status: criteria provided, single submitter. Criteria: Ambry Variant Classification Scheme 2023. Collection method: clinical testing. Allele origin: germline.

Labcorp Genetics (formerly Invitae), Labcorp
Classification: Uncertain significance. Last evaluated: 2024-09-01. Review status: criteria provided, single submitter. Criteria: Invitae Variant Classification Sherloc (09022015). Collection method: clinical testing. Allele origin: germline.
Comment: This sequence change replaces serine, which is neutral and polar, with proline, which is neutral and non-polar, at codon 1970 of the POLE protein (p.Ser1970Pro). This variant is present in population databases (no rsID available, gnomAD 0.003%). This variant has not been reported in the literature in individuals affected with POLE-related conditions. ClinVar contains an entry for this variant (Variation ID: 1036273). Invitae Evidence Modeling of protein sequence and biophysical properties (such as structural, functional, and spatial information, amino acid conservation, physicochemical variation, residue mobility, and thermodynamic stability) indicates that this missense variant is not expected to disrupt POLE protein function with a negative predictive value of 80%. In summary, the available evidence is currently insufficient to determine the role of this variant in disease. Therefore, it has been classified as a Variant of Uncertain Significance.

Fulgent Genetics
Classification: Uncertain significance for Colorectal cancer, susceptibility to, 12; Facial dysmorphism-immunodeficiency-livedo-short stature syndrome; Intrauterine growth retardation, metaphyseal dysplasia, adrenal hypoplasia congenita, genital anomalies, and immunodeficiency. Last evaluated: 2024-04-23. Review status: criteria provided, single submitter. Criteria: ACMG Guidelines, 2015. Collection method: clinical testing. Allele origin: germline.